The following is an entry in ClinVar:

ClinVar aggregate classification (germline): Uncertain significance (1 of 4 stars; one submission).

Conditions:
Alstrom syndrome (ALMS). Identifiers: Orphanet 64, MedGen C0268425, MONDO:0008763, OMIM 203800.

Submission:

Labcorp Genetics (formerly Invitae), Labcorp
Classification: Uncertain significance for Alstrom syndrome. Last evaluated: 2022-03-14. Review status: criteria provided, single submitter. Criteria: Invitae Variant Classification Sherloc (09022015). Collection method: clinical testing. Allele origin: germline.
Comment: This sequence change replaces glycine, which is neutral and non-polar, with arginine, which is basic and polar, at codon 2736 of the ALMS1 protein (p.Gly2736Arg). This variant is not present in population databases (gnomAD no frequency). This variant has not been reported in the literature in individuals affected with ALMS1-related conditions. Experimental studies and prediction algorithms are not available or were not evaluated, and the functional significance of this variant is currently unknown. In summary, the available evidence is currently insufficient to determine the role of this variant in disease. Therefore, it has been classified as a Variant of Uncertain Significance.

NM_001378454.1(ALMS1):c.8203G>C (p.Gly2735Arg)

Gene: ALMS1 (ALMS1 centrosome and basal body associated protein; plus strand). Cytogenetic location: 2p13.1.
Variant type: single nucleotide variant.
Coding change: c.8203G>C on transcript NM_001378454.1 (MANE Select); coding-DNA position 8203, G replaced by C.
Protein change: p.Gly2735Arg; replaces glycine 2735 with arginine.
Molecular consequence: missense variant.
Genome position (GRCh38, 1-based): chr2:73,490,162, G>C. VCF-style: chr2-73490162-G-C. GRCh37 (hg19) VCF-style: chr2-73717289-G-C.
Other names: c.8206G>C, p.Gly2736Arg (NM_015120.4); short protein forms G2736R, G2735R.
Identifiers: ClinVar variation 1475708 (VCV001475708.6), dbSNP rs761136859, ClinGen allele CA347267843.